The following is an entry in ClinVar:

ClinVar aggregate classification (germline): Uncertain significance. Review status: criteria provided, multiple submitters, no conflicts (2 of 4 stars). 2 submissions from 2 submitters: Uncertain significance (2). Last evaluated 2024-01-20.

Allele frequency attached by ClinVar (database versions not stated): gnomAD 0.00001; TOPMed 0.00001.
gnomAD v4.1: 4 of 1,614,012 alleles (0.00025%); highest among the groups gnomAD compares: East Asian, 0.0022%; no homozygotes.

Submissions (2):

Labcorp Genetics (formerly Invitae), Labcorp
Classification: Uncertain significance. Last evaluated: 2024-01-20. Review status: criteria provided, single submitter. Criteria: Invitae Variant Classification Sherloc (09022015). Collection method: clinical testing. Allele origin: germline.
Comment: This sequence change replaces serine, which is neutral and polar, with isoleucine, which is neutral and non-polar, at codon 501 of the IRF2BP2 protein (p.Ser501Ile). This variant is not present in population databases (gnomAD no frequency). This variant has not been reported in the literature in individuals affected with IRF2BP2-related conditions. An algorithm developed to predict the effect of missense changes on protein structure and function (PolyPhen-2) suggests that this variant is likely to be disruptive. In summary, the available evidence is currently insufficient to determine the role of this variant in disease. Therefore, it has been classified as a Variant of Uncertain Significance.

Blueprint Genetics
Classification: Uncertain significance. Last evaluated: 2021-07-21. Review status: criteria provided, single submitter. Criteria: ACMG Guidelines, 2015. Collection method: clinical testing. Allele origin: germline.

NM_182972.3(IRF2BP2):c.1502G>T (p.Ser501Ile)

Gene: IRF2BP2 (interferon regulatory factor 2 binding protein 2; minus strand). Cytogenetic location: 1q42.3.
Variant type: single nucleotide variant.
Coding change: c.1502G>T on transcript NM_182972.3 (MANE Select); coding-DNA position 1502, G replaced by T.
Protein change: p.Ser501Ile; replaces serine 501 with isoleucine.
Molecular consequence: missense variant.
Genome position (GRCh38, 1-based): chr1:234,607,399, C>A on the plus strand (G>T on the coding strand, the complement: IRF2BP2 is on the minus strand). VCF-style: chr1-234607399-C-A. GRCh37 (hg19) VCF-style: chr1-234743145-C-A.
Other names: c.1454G>T, p.Ser485Ile (NM_001077397.1); short protein forms S485I, S501I.
Identifiers: ClinVar variation 2799938 (VCV002799938.4), dbSNP rs1271070736, ClinGen allele CA345305362.